The following is an entry in ClinVar:

ClinVar aggregate classification (germline): Uncertain significance. Review status: criteria provided, multiple submitters, no conflicts (2 of 4 stars). 2 submissions from 2 submitters: Uncertain significance (2). Last evaluated 2023-09-25.

Conditions:
RASopathy. Also called: rasopathies; Noonan spectrum disorder. Identifiers: Orphanet 536391, MedGen C5555857, MONDO:0021060.
Noonan syndrome 4 (NS4). Also called: SOS1-Related Noonan Syndrome; NOONAN SYNDROME WITH PIGMENTED VILLONODULAR SYNOVITIS. Identifiers: Orphanet 648, MedGen C1853120, MONDO:0012547, OMIM 610733.
Fibromatosis, gingival, 1 (GINGF1). Identifiers: Orphanet 2024, MedGen C4551558, MONDO:0007609, OMIM 135300.

Submissions (2):

Labcorp Genetics (formerly Invitae), Labcorp
Classification: Uncertain significance for RASopathy. Last evaluated: 2023-09-25. Review status: criteria provided, single submitter. Criteria: Invitae Variant Classification Sherloc (09022015). Collection method: clinical testing. Allele origin: germline.
Comment: This variant has not been reported in the literature in individuals affected with SOS1-related conditions. In summary, the available evidence is currently insufficient to determine the role of this variant in disease. Therefore, it has been classified as a Variant of Uncertain Significance. Variants that disrupt the consensus splice site are a relatively common cause of aberrant splicing (PMID: 17576681, 9536098). Algorithms developed to predict the effect of sequence changes on RNA splicing suggest that this variant may disrupt the consensus splice site. ClinVar contains an entry for this variant (Variation ID: 992530). This variant is not present in population databases (gnomAD no frequency). This sequence change falls in intron 21 of the SOS1 gene. It does not directly change the encoded amino acid sequence of the SOS1 protein. It affects a nucleotide within the consensus splice site.

Center for Genomics, Ann and Robert H. Lurie Children's Hospital of Chicago
Classification: Uncertain significance for Noonan syndrome 4; Fibromatosis, gingival, 1. Review status: criteria provided, single submitter. Criteria: ACMG Guidelines, 2015. Collection method: clinical testing. Allele origin: germline.
Comment: SOS1 NM_005633.3 exon 21 c.3391+5G>C: This variant has not been reported in the literature and is not present in large control databases. Evolutionary conservation and computational predictive tools for this variant are limited or unavailable. Splice prediction tools suggest that this variant may affect splicing. However, further studies are needed to understand its impact. In summary, data on this variant is insufficient for disease classification. Therefore, the clinical significance of this variant is uncertain.

Literature cited by the submitters: PubMed 17576681 (cited by Labcorp Genetics (formerly Invitae), Labcorp); PubMed 9536098 (cited by Labcorp Genetics (formerly Invitae), Labcorp).

NM_005633.4(SOS1):c.3391+5G>C

Gene: SOS1 (SOS Ras/Rac guanine nucleotide exchange factor 1; minus strand). Cytogenetic location: 2p22.1.
Variant type: single nucleotide variant.
Coding change: c.3391+5G>C on transcript NM_005633.4 (MANE Select); 5 bases into the intron after coding-DNA position 3391, G replaced by C.
Molecular consequence: intron variant.
Genome position (GRCh38, 1-based): chr2:38,989,265, C>G on the plus strand (G>C on the coding strand, the complement: SOS1 is on the minus strand). VCF-style: chr2-38989265-C-G. GRCh37 (hg19) VCF-style: chr2-39216406-C-G.
Other names: c.3370+5G>C (NM_001382394.1); c.3347-1674G>C (NM_001382395.1).
Identifiers: ClinVar variation 992530 (VCV000992530.6), dbSNP rs1668654438, ClinGen allele CA1139656902.
Genomic context (GRCh38, chr2:38,989,265, plus strand): 5'-GTTACACTTGGTTTGATTTTTAAAGCCAAAGCAAGAATTATGAGTCTTAAACCAAATATA[C>G]TAACTTGGGCCATGGGGCAGAGTAACTTGGATAAAGACGGTATCATTGCCTGTGAAAGGA-3'